The following is an entry in ClinVar:

ClinVar aggregate classification (germline): Conflicting classifications of pathogenicity. Review status: criteria provided, conflicting classifications (1 of 4 stars). 3 submissions from 3 submitters: Uncertain significance (1); Likely benign (2). Last evaluated 2026-07-01.

Conditions:
Epidermolysis bullosa simplex, Ogna type (EBS5A). Also called: Pidermolysis bullosa simplex 5A, Ogna type; EPIDERMOLYSIS BULLOSA SIMPLEX 5A, OGNA TYPE. Identifiers: Orphanet 79401, MedGen C0432317, MONDO:0007555, OMIM 131950.
Epidermolysis bullosa simplex 5C, with pyloric atresia (EBS5C). Also called: PLEC-Related Epidermolysis Bullosa with Pyloric Atresia; Epidermolysis bullosa simplex with pyloric atresia; PLEC1-Related Epidermolysis Bullosa with Pyloric Atresia. Identifiers: Orphanet 158684, MedGen C2677349, MONDO:0012807, OMIM 612138.
Autosomal recessive limb-girdle muscular dystrophy type 2Q (LGMDR17). Also called: MUSCULAR DYSTROPHY, LIMB-GIRDLE, AUTOSOMAL RECESSIVE 17. Identifiers: Orphanet 254361, MedGen C3150989, MONDO:0013390, OMIM 613723.
Epidermolysis bullosa simplex 5B, with muscular dystrophy (EBS5B). Also called: Epidermolysis bullosa simplex with muscular dystrophy; EPIDERMOLYSIS BULLOSA SIMPLEX AND LIMB-GIRDLE MUSCULAR DYSTROPHY. Identifiers: Orphanet 257, MedGen C2931072, MONDO:0009181, OMIM 226670.
Epidermolysis bullosa simplex with nail dystrophy (EBS5D). Identifiers: MedGen C4225309, MONDO:0014661, OMIM 616487.

Allele frequency attached by ClinVar (database versions not stated): ExAC 0.00006; TOPMed 0.00013.
gnomAD v4.1: 56 of 1,590,176 alleles (0.0035%); highest among the groups gnomAD compares: Admixed American, 0.07%; 1 homozygote.

Submissions (3):

CeGaT Center for Human Genetics Tuebingen
Classification: Likely benign. Last evaluated: 2026-07-01. Review status: criteria provided, single submitter. Criteria: CeGaT Center For Human Genetics Tuebingen Variant Classification Criteria Version 2. Collection method: clinical testing. Allele origin: germline. Affected: yes. Observed: 1 variant allele.
Comment: PLEC: BP4, BP7

Labcorp Genetics (formerly Invitae), Labcorp
Classification: Likely benign for Autosomal recessive limb-girdle muscular dystrophy type 2Q; Epidermolysis bullosa simplex, Ogna type; Epidermolysis bullosa simplex with nail dystrophy; Epidermolysis bullosa simplex 5C, with pyloric atresia; Epidermolysis bullosa simplex 5B, with muscular dystrophy. Last evaluated: 2026-01-12. Review status: criteria provided, single submitter. Criteria: Invitae Variant Classification Sherloc (09022015). Collection method: clinical testing. Allele origin: germline.

Eurofins Ntd Llc (ga)
Classification: Uncertain significance. Last evaluated: 2017-12-26. Review status: criteria provided, single submitter. Criteria: EGL Classification Definitions 2015. Collection method: clinical testing. Allele origin: germline. Observed: 1 variant allele, 1 heterozygote.

NM_201384.3(PLEC):c.3375C>T (p.Leu1125=)

Gene: PLEC (plectin; minus strand). Cytogenetic location: 8q24.3.
Variant type: single nucleotide variant.
Coding change: c.3375C>T on transcript NM_201384.3 (MANE Select); coding-DNA position 3375, C replaced by T.
Protein change: p.Leu1125=; no amino-acid change (leucine 1125 retained).
Molecular consequence: synonymous variant.
Genome position (GRCh38, 1-based): chr8:143,927,878, G>A on the plus strand (C>T on the coding strand, the complement: PLEC is on the minus strand). VCF-style: chr8-143927878-G-A. GRCh37 (hg19) VCF-style: chr8-145002046-G-A.
Other names: c.3456C>T, p.Leu1152= (NM_000445.5); c.3333C>T, p.Leu1111= (NM_201378.4); c.3309C>T, p.Leu1103= (NM_201379.3); c.3786C>T, p.Leu1262= (NM_201380.4); c.3279C>T, p.Leu1093= (NM_201381.3); c.3375C>T, p.Leu1125= (NM_201382.4); c.3387C>T, p.Leu1129= (NM_201383.3).
Identifiers: ClinVar variation 595550 (VCV000595550.15), dbSNP rs782733038, ClinGen allele CA4927106.
Genomic context (GRCh38, chr8:143,927,878, plus strand): 5'-CCACCCCGCCATGAAGCCCAAGCCTCGAAACGATACCTTCAGAGAGGCCTTGGTGGCCTC[G>A]AGCTCCGGGAGGGTGGCCGGCACGGCCTGGGCCTCCTTGAGCTGCTCCTCGTGGGCCCTG-3'
Protein context (NP_958786.1, residues 1115-1135): AQAVPATLPE[Leu1125=]EATKASLKKL